The following is an entry in ClinVar:

NM_004415.4(DSP):c.330T>C (p.Cys110=)

Gene: DSP (desmoplakin; plus strand). Cytogenetic location: 6p24.3.
Variant type: single nucleotide variant.
Coding change: c.330T>C on transcript NM_004415.4 (MANE Select); coding-DNA position 330, T replaced by C.
Protein change: p.Cys110=; no amino-acid change (cysteine 110 retained).
Molecular consequence: synonymous variant.
Genome position (GRCh38, 1-based): chr6:7,558,172, T>C. VCF-style: chr6-7558172-T-C. GRCh37 (hg19) VCF-style: chr6-7558405-T-C.
Other names: c.330T>C, p.Cys110= (NM_001008844.3, NM_001319034.2, NM_001406591.1).
Identifiers: ClinVar variation 3075417 (VCV003075417.1), dbSNP rs1446899821, ClinGen allele CA448511826.

ClinVar aggregate classification (germline): Likely benign (1 of 4 stars; one submission).

Conditions:
Arrhythmogenic cardiomyopathy with wooly hair and keratoderma. Also called: PALMOPLANTAR KERATODERMA WITH LEFT VENTRICULAR CARDIOMYOPATHY AND WOOLLY HAIR; Carvajal syndrome; Dilated cardiomyopathy with woolly hair and keratoderma; Arrhythmogenic cardiomyopathy with woolly hair and keratoderma. Identifiers: Orphanet 65282, MedGen C1854063, MONDO:0011581, OMIM 605676.

gnomAD v4.1: 1 of 1,614,086 alleles (0.000062%); no homozygotes.

Submission:

All of Us Research Program, National Institutes of Health
Classification: Likely benign for Arrhythmogenic cardiomyopathy with wooly hair and keratoderma. Last evaluated: 2024-02-05. Review status: criteria provided, single submitter. Criteria: ACMG Guidelines, 2015. Collection method: clinical testing. Allele origin: germline. Inheritance: Autosomal dominant inheritance. Observed: 1 variant allele, 1 heterozygote.
Comment: This study involves interpretation of variants in research participants for the purpose of population health screening. Participant phenotype was not available at the time of variant classification. Additional details can be found in publication PMID: 35346344, PMCID: PMC8962531